The following is an entry in ClinVar:

ClinVar aggregate classification (germline): Pathogenic (1 of 4 stars; one submission).

Submission:

Labcorp Genetics (formerly Invitae), Labcorp
Classification: Pathogenic. Last evaluated: 2023-04-06. Review status: criteria provided, single submitter. Criteria: Invitae Variant Classification Sherloc (09022015). Collection method: clinical testing. Allele origin: germline.
Comment: Experimental studies have shown that this missense change affects ATP2A2 function (PMID: 16766529). For these reasons, this variant has been classified as Pathogenic. Advanced modeling of protein sequence and biophysical properties (such as structural, functional, and spatial information, amino acid conservation, physicochemical variation, residue mobility, and thermodynamic stability) performed at Invitae indicates that this missense variant is expected to disrupt ATP2A2 protein function. This sequence change replaces proline, which is neutral and non-polar, with leucine, which is neutral and non-polar, at codon 160 of the ATP2A2 protein (p.Pro160Leu). This variant is not present in population databases (gnomAD no frequency). This missense change has been observed in individuals with Darier disease (PMID: 10441323, 11168576, 15316170, 20423818, 28035777).

Literature cited by the submitters: PubMed 16766529; PubMed 10441323; PubMed 11168576; PubMed 15316170; PubMed 20423818; PubMed 28035777.

NM_170665.4(ATP2A2):c.479C>T (p.Pro160Leu)

Gene: ATP2A2 (ATPase sarcoplasmic/endoplasmic reticulum Ca2+ transporting 2; plus strand). Cytogenetic location: 12q24.11.
Variant type: single nucleotide variant.
Coding change: c.479C>T on transcript NM_170665.4 (MANE Select); coding-DNA position 479, C replaced by T.
Protein change: p.Pro160Leu; replaces proline 160 with leucine.
Molecular consequence: missense variant.
Genome position (GRCh38, 1-based): chr12:110,323,007, C>T. VCF-style: chr12-110323007-C-T. GRCh37 (hg19) VCF-style: chr12-110760812-C-T.
Other names: c.374C>T, p.Pro125Leu (NM_001413013.1); c.479C>T, p.Pro160Leu (NM_001413014.1, NM_001681.4); c.104C>T, p.Pro35Leu (NM_001413015.1); short protein forms P125L, P160L, P35L.
Identifiers: ClinVar variation 2735967 (VCV002735967.3), dbSNP rs2548550544, ClinGen allele CA386664331.